The following is an entry in ClinVar:

ClinVar aggregate classification (germline): Benign/Likely benign. Review status: criteria provided, multiple submitters, no conflicts (2 of 4 stars). 2 submissions from 2 submitters: Benign (1); Likely benign (1). Last evaluated 2024-07-23.

Conditions:
Familial cancer of breast. Also called: hereditary breast carcinoma; BREAST CANCER, FAMILIAL; Hereditary breast cancer. Identifiers: Orphanet 227535, MedGen C0346153, MONDO:0016419, OMIM 114480. Disease mechanism: loss of function.

Submissions (2):

Myriad Genetics, Inc.
Classification: Benign for Familial cancer of breast. Last evaluated: 2024-07-23. Review status: criteria provided, single submitter. Criteria: Myriad Autosomal Dominant, Autosomal Recessive and X-Linked Classification Criteria (2023). Collection method: clinical testing. Allele origin: unknown.
Comment: This variant is considered benign. This variant is a silent/synonymous amino acid change and it is not expected to impact splicing.

Labcorp Genetics (formerly Invitae), Labcorp
Classification: Likely benign for Familial cancer of breast. Last evaluated: 2021-07-24. Review status: criteria provided, single submitter. Criteria: Invitae Variant Classification Sherloc (09022015). Collection method: clinical testing. Allele origin: germline.

NM_000465.4(BARD1):c.969C>G (p.Gly323=)

Gene: BARD1 (BRCA1 associated RING domain 1; minus strand). Cytogenetic location: 2q35.
Variant type: single nucleotide variant.
Coding change: c.969C>G on transcript NM_000465.4 (MANE Select); coding-DNA position 969, C replaced by G.
Protein change: p.Gly323=; no amino-acid change (glycine 323 retained).
Molecular consequence: synonymous variant. On other transcripts: non-coding transcript variant (2), intron variant (3).
Genome position (GRCh38, 1-based): chr2:214,780,905, G>C on the plus strand (C>G on the coding strand, the complement: BARD1 is on the minus strand). VCF-style: chr2-214780905-G-C. GRCh37 (hg19) VCF-style: chr2-215645629-G-C.
Other names: c.912C>G, p.Gly304= (NM_001282543.2); c.159-28350C>G (NM_001282548.2); c.215+16156C>G (NM_001282545.2); c.364+11392C>G (NM_001282549.2).
Identifiers: ClinVar variation 1560621 (VCV001560621.10), dbSNP rs1553622322, ClinGen allele CA431391000.